The following is an entry in ClinVar:

NM_031935.3(HMCN1):c.126_127delinsTT (p.Leu42_Ala43delinsPheSer)

Gene: HMCN1 (hemicentin 1; plus strand). Cytogenetic location: 1q25.3.
Variant type: Indel.
Coding change: c.126_127delinsTT on transcript NM_031935.3 (MANE Select); coding-DNA positions 126 to 127, GG replaced by TT.
Protein change: p.Leu42_Ala43delinsPheSer.
Molecular consequence: missense variant.
Genome position (GRCh38, 1-based): chr1:185,734,905-185,734,906, GG replaced by TT. VCF-style: chr1-185734905-GG-TT. GRCh37 (hg19) VCF-style: chr1-185704037-GG-TT.
Identifiers: ClinVar variation 1957777 (VCV001957777.5), dbSNP rs2526220884, ClinGen allele CA2580061657.

ClinVar aggregate classification (germline): Uncertain significance (1 of 4 stars; one submission).

Submission:

Labcorp Genetics (formerly Invitae), Labcorp
Classification: Uncertain significance. Last evaluated: 2022-03-14. Review status: criteria provided, single submitter. Criteria: Invitae Variant Classification Sherloc (09022015). Collection method: clinical testing. Allele origin: germline.
Comment: This variant, c.126_127delinsTT, is a complex sequence change that results in the deletion of 2 and insertion of 2 amino acid(s) in the HMCN1 protein (p.Leu42_Ala43delinsPheSer). Information on the frequency of this variant in the gnomAD database is not available, as this variant may be reported differently in the database. This variant has not been reported in the literature in individuals affected with HMCN1-related conditions. Experimental studies and prediction algorithms are not available or were not evaluated, and the functional significance of this variant is currently unknown. In summary, the available evidence is currently insufficient to determine the role of this variant in disease. Therefore, it has been classified as a Variant of Uncertain Significance.